The following is an entry in ClinVar:

NM_006158.5(NEFL):c.1573GAG[2] (p.Glu527del)

Gene: NEFL (neurofilament light chain; minus strand). Cytogenetic location: 8p21.2.
Variant type: Microsatellite.
Coding change: c.1573GAG[2] on transcript NM_006158.5 (MANE Select); two copies in a row of the 3-base unit GAG starting at c.1573; the reference has three copies in a row; one copy, 3 bases deleted.
Protein change: p.Glu527del; deletes glutamic acid 527.
Molecular consequence: inframe deletion.
Genome position (GRCh38, 1-based): chr8:24,952,861-24,952,863, CTC deleted on the plus strand (GAG on the coding strand, the reverse complement: NEFL is on the minus strand); deleting any 3 consecutive bases within chr8:24,952,861-24,952,869 gives the same sequence; the position shown is the placement nearest the transcript's 3' end. VCF-style (leftmost placement, unchanged base first): chr8-24952860-TCTC-T. GRCh37 (hg19) VCF-style: chr8-24810373-TCTC-T.
Other names: c.1579_1581delGAG (NM_006158.5, NM_006158.4); short protein forms E527del.
Identifiers: ClinVar variation 66681 (VCV000066681.13), dbSNP rs3832558, ClinGen allele CA217514.

ClinVar aggregate classification (germline): Benign/Likely benign. Review status: criteria provided, multiple submitters, no conflicts (2 of 4 stars). 6 submissions from 6 submitters: Benign (3); Likely benign (1). 2 of the submissions do not count toward it. Last evaluated 2025-12-23.

Conditions:
NEFL-related disorder. Also called: NEFL-related condition.
Charcot-Marie-Tooth disease type 1F. Also called: CHARCOT-MARIE-TOOTH NEUROPATHY, TYPE 1F; Charcot-Marie-Tooth disease, demyelinating, type 1f. Identifiers: Orphanet 101085, MedGen C1843164, MONDO:0011902, OMIM 607734.
Charcot-Marie-Tooth disease type 2E (CMT2E). Also called: CHARCOT-MARIE-TOOTH DISEASE, AXONAL, TYPE 2E; CHARCOT-MARIE-TOOTH NEUROPATHY, TYPE 2E. Identifiers: Orphanet 99939, MedGen C1843225, MONDO:0011894, OMIM 607684.

Submissions (6):

Labcorp Genetics (formerly Invitae), Labcorp
Classification: Benign for Charcot-Marie-Tooth disease type 2E. Last evaluated: 2025-12-23. Review status: criteria provided, single submitter. Criteria: Invitae Variant Classification Sherloc (09022015). Collection method: clinical testing. Allele origin: germline.

Women's Health and Genetics/Laboratory Corporation of America, LabCorp
Classification: Likely benign. Last evaluated: 2025-10-08. Review status: criteria provided, single submitter. Criteria: LabCorp Variant Classification Summary - May 2015. Collection method: clinical testing. Allele origin: germline.

PreventionGenetics, part of Exact Sciences
Classification: Benign for NEFL-related condition. Last evaluated: 2025-03-12. Review status: criteria provided, single submitter. Criteria: ACMG Guidelines, 2015. Collection method: clinical testing. Allele origin: germline.
Comment: This variant is classified as benign based on ACMG/AMP sequence variant interpretation guidelines (Richards et al. 2015 PMID: 25741868, with internal and published modifications).

GeneDx
Classification: Benign. Last evaluated: 2016-09-21. Review status: criteria provided, single submitter. Criteria: GeneDx Variant Classification (06012015). Collection method: clinical testing. Allele origin: germline. Affected: yes.
Comment: This variant is considered likely benign or benign based on one or more of the following criteria: it is a conservative change, it occurs at a poorly conserved position in the protein, it is predicted to be benign by multiple in silico algorithms, and/or has population frequency not consistent with disease.

OMIM
Classification: Pathogenic for CHARCOT-MARIE-TOOTH DISEASE, DEMYELINATING, TYPE 1F. Last evaluated: 2004-02-01. Review status: no assertion criteria provided. Collection method: literature only. Allele origin: germline. Not counted in ClinVar's aggregate classification.

Epithelial Biology;  Institute of Medical Biology, Singapore
No classification provided. Review status: no classification provided. Collection method: not provided. Allele origin: not provided. Not counted in ClinVar's aggregate classification.

Literature cited by the submitters: PubMed 12566280 (cited by OMIM); PubMed 14586770 (cited by OMIM).